The following is an entry in ClinVar:

ClinVar aggregate classification (germline): Uncertain significance (1 of 4 stars; one submission).

Conditions:
CHD7-related disorder. Also called: CHD7-related condition.

Submission:

PreventionGenetics, part of Exact Sciences
Classification: Uncertain significance for CHD7-related condition. Last evaluated: 2025-01-24. Review status: criteria provided, single submitter. Criteria: ACMG Guidelines, 2015. Collection method: clinical testing. Allele origin: germline.
Comment: The CHD7 c.6915T>A variant is predicted to result in the amino acid substitution p.Phe2305Leu. To our knowledge, this variant has not been reported in the literature or in a large population database (gnomAD), indicating this variant is rare. At this time, the clinical significance of this variant is uncertain due to the absence of conclusive functional and genetic evidence.

NM_017780.4(CHD7):c.6915T>A (p.Phe2305Leu)

Gene: CHD7 (chromodomain helicase DNA binding protein 7; plus strand). Cytogenetic location: 8q12.2.
Variant type: single nucleotide variant.
Coding change: c.6915T>A on transcript NM_017780.4 (MANE Select); coding-DNA position 6915, T replaced by A.
Protein change: p.Phe2305Leu; replaces phenylalanine 2305 with leucine.
Molecular consequence: missense variant. On other transcripts: intron variant (1).
Genome position (GRCh38, 1-based): chr8:60,854,502, T>A. VCF-style: chr8-60854502-T-A. GRCh37 (hg19) VCF-style: chr8-61767061-T-A.
Other names: c.1717-7727T>A (NM_001316690.1); short protein forms F2305L.
Identifiers: ClinVar variation 4998905 (VCV004998905.1).